The following is an entry in ClinVar:

ClinVar aggregate classification (germline): Likely pathogenic (1 of 4 stars; one submission).

Conditions:
Maple syrup urine disease (MSUD). Identifiers: Orphanet 511, MedGen C0024776, MeSH D008375, MONDO:0009563. Disease mechanism: loss of function.

Submission:

Myriad Genetics, Inc.
Classification: Likely pathogenic for Maple syrup urine disease type 1A. Last evaluated: 2022-04-29. Review status: criteria provided, single submitter. Criteria: Myriad Women's Health Autosomal Recessive and X-Linked Classification Criteria (2021). Collection method: clinical testing. Allele origin: unknown.
Comment: NM_000709.3(BCKDHA):c.318C>A(Y106*) is expected to be pathogenic in the context of maple syrup urine disease type Ia. This variant is predicted to lead to an abnormal or absent protein product due to the creation of a premature termination codon in BCKDHA, a gene where loss-of-function variants are known to be pathogenic. Please note: this variant was assessed in the context of healthy population screening.

NM_000709.4(BCKDHA):c.318C>A (p.Tyr106Ter)

Gene: BCKDHA (branched chain keto acid dehydrogenase E1 subunit alpha; plus strand). Cytogenetic location: 19q13.2.
Variant type: single nucleotide variant.
Coding change: c.318C>A on transcript NM_000709.4 (MANE Select); coding-DNA position 318, C replaced by A.
Protein change: p.Tyr106Ter; replaces tyrosine 106 with a stop codon.
Molecular consequence: nonsense.
Genome position (GRCh38, 1-based): chr19:41,410,952, C>A. VCF-style: chr19-41410952-C-A. GRCh37 (hg19) VCF-style: chr19-41916857-C-A.
Other names: c.318C>A, p.Tyr106Ter (NM_001164783.2); short protein forms Y106*.
Identifiers: ClinVar variation 1726421 (VCV001726421.2), dbSNP rs2513452367, ClinGen allele CA406005527.